The following is an entry in ClinVar:

NM_001382430.1(AKT1):c.1108C>T (p.Arg370Cys)

Gene: AKT1 (AKT serine/threonine kinase 1; minus strand). Cytogenetic location: 14q32.33.
Variant type: single nucleotide variant.
Coding change: c.1108C>T on transcript NM_001382430.1 (MANE Select); coding-DNA position 1108, C replaced by T.
Protein change: p.Arg370Cys; replaces arginine 370 with cysteine.
Molecular consequence: missense variant.
Genome position (GRCh38, 1-based): chr14:104,772,942, G>A on the plus strand (C>T on the coding strand, the complement: AKT1 is on the minus strand). VCF-style: chr14-104772942-G-A. GRCh37 (hg19) VCF-style: chr14-105239279-G-A.
Other names: c.1108C>T, p.Arg370Cys (NM_001014431.2, NM_001014432.2, NM_001382431.1 and 3 more transcripts); short protein forms R370C.
Identifiers: ClinVar variation 843142 (VCV000843142.10), dbSNP rs549370342, ClinGen allele CA7374569.

ClinVar aggregate classification (germline): Uncertain significance (1 of 4 stars; one submission).

Conditions:
Cowden syndrome 6 (CWS6). Identifiers: Orphanet 201, MedGen C3554519, MONDO:0014048, OMIM 615109.

Allele frequency attached by ClinVar (database versions not stated): ExAC 0.00003; 1000 Genomes Project 30x 0.00016; 1000 Genomes Project 0.00020; TOPMed 0.00002.
gnomAD v4.1: 25 of 1,614,042 alleles (0.0015%); highest among the groups gnomAD compares: Middle Eastern, 0.017%; no homozygotes.

Submission:

Labcorp Genetics (formerly Invitae), Labcorp
Classification: Uncertain significance for Cowden syndrome 6. Last evaluated: 2023-08-20. Review status: criteria provided, single submitter. Criteria: Invitae Variant Classification Sherloc (09022015). Collection method: clinical testing. Allele origin: germline.
Comment: This variant has not been reported in the literature in individuals affected with AKT1-related conditions. This variant is present in population databases (rs549370342, gnomAD 0.01%). In summary, the available evidence is currently insufficient to determine the role of this variant in disease. Therefore, it has been classified as a Variant of Uncertain Significance. An algorithm developed to predict the effect of missense changes on protein structure and function (PolyPhen-2) suggests that this variant is likely to be tolerated. ClinVar contains an entry for this variant (Variation ID: 843142). This sequence change replaces arginine, which is basic and polar, with cysteine, which is neutral and slightly polar, at codon 370 of the AKT1 protein (p.Arg370Cys).